The following is an entry in ClinVar:

ClinVar aggregate classification (germline): Uncertain significance (1 of 4 stars; one submission).

Allele frequency attached by ClinVar (database versions not stated): gnomAD exomes 0.00001 and 0.00002.
gnomAD v4.1: 16 of 1,208,351 alleles (0.0013%); highest among the groups gnomAD compares: African/African-American, 0.0017%; no homozygotes.

Submission:

GeneDx
Classification: Uncertain significance. Last evaluated: 2021-12-14. Review status: criteria provided, single submitter. Criteria: GeneDx Variant Classification Process June 2021. Collection method: clinical testing. Allele origin: germline. Affected: yes.
Comment: Not observed at significant frequency in large population cohorts (gnomAD); In-silico analysis is inconclusive as to whether the variant alters gene splicing. In the absence of RNA/functional studies, the actual effect of this sequence change is unknown.; Has not been previously published as pathogenic or benign to our knowledge

NM_000276.4(OCRL):c.2124C>T (p.Asp708=)

Gene: OCRL (OCRL inositol polyphosphate-5-phosphatase; plus strand). Cytogenetic location: Xq26.1.
Variant type: single nucleotide variant.
Coding change: c.2124C>T on transcript NM_000276.4 (MANE Select); coding-DNA position 2124, C replaced by T.
Protein change: p.Asp708=; no amino-acid change (aspartic acid 708 retained).
Molecular consequence: synonymous variant. On other transcripts: intron variant (1).
Genome position (GRCh38, 1-based): chrX:129,584,352, C>T. VCF-style: chrX-129584352-C-T. GRCh37 (hg19) VCF-style: chrX-128718329-C-T.
Other names: c.2127C>T, p.Asp709= (NM_001318784.2); c.2116-2650C>T (NM_001587.4).
Identifiers: ClinVar variation 1691793 (VCV001691793.2), dbSNP rs1452310953, ClinGen allele CA518546151.